The following is an entry in ClinVar:

NM_003803.4(MYOM1):c.2404G>C (p.Val802Leu)

Gene: MYOM1 (myomesin 1; minus strand). Cytogenetic location: 18p11.31.
Variant type: single nucleotide variant.
Coding change: c.2404G>C on transcript NM_003803.4 (MANE Select); coding-DNA position 2404, G replaced by C.
Protein change: p.Val802Leu; replaces valine 802 with leucine.
Molecular consequence: missense variant.
Genome position (GRCh38, 1-based): chr18:3,131,477, C>G on the plus strand (G>C on the coding strand, the complement: MYOM1 is on the minus strand). VCF-style: chr18-3131477-C-G. GRCh37 (hg19) VCF-style: chr18-3131475-C-G.
Other names: c.2404G>C, p.Val802Leu (NM_019856.2); short protein forms V802L.
Identifiers: ClinVar variation 4115986 (VCV004115986.1).

ClinVar aggregate classification (germline): Uncertain significance (1 of 4 stars; one submission).

gnomAD v4.1: 3 of 1,612,660 alleles (0.00019%); highest among the groups gnomAD compares: Non-Finnish European, 0.00017%; no homozygotes.

Submission:

Ambry Genetics
Classification: Uncertain significance. Last evaluated: 2025-08-31. Review status: criteria provided, single submitter. Criteria: Ambry Variant Classification Scheme 2023. Collection method: clinical testing. Allele origin: germline.
Comment: The p.V802L variant (also known as c.2404G>C), located in coding exon 16 of the MYOM1 gene, results from a G to C substitution at nucleotide position 2404. The valine at codon 802 is replaced by leucine, an amino acid with highly similar properties. This amino acid position is conserved. In addition, this alteration is predicted to be tolerated by in silico analysis. Based on the available evidence, the clinical significance of this variant remains unclear.